The following is an entry in ClinVar:

ClinVar aggregate classification (germline): Uncertain significance (1 of 4 stars; one submission).

Conditions:
Osteogenesis imperfecta type I (OI1). Also called: Lobstein's Disease; Lobstein disease; Classic Non-deforming Osteogenesis Imperfecta with Blue Sclerae; OI, TYPE I; OSTEOGENESIS IMPERFECTA TARDA; OSTEOGENESIS IMPERFECTA WITH BLUE SCLERAE. Identifiers: Orphanet 216796, Orphanet 666, MedGen C0023931, MONDO:0008146, OMIM 166200. Disease mechanism: loss of function.

gnomAD v4.1: 1 of 1,613,934 alleles (0.000062%); highest among the groups gnomAD compares: Non-Finnish European, 0.000085%; no homozygotes.

Submission:

Labcorp Genetics (formerly Invitae), Labcorp
Classification: Uncertain significance for Osteogenesis imperfecta type I. Last evaluated: 2025-07-23. Review status: criteria provided, single submitter. Criteria: Invitae Variant Classification Sherloc (09022015). Collection method: clinical testing. Allele origin: germline.
Comment: This sequence change replaces arginine, which is basic and polar, with cysteine, which is neutral and slightly polar, at codon 763 of the COL1A1 protein (p.Arg763Cys). This variant is not present in population databases (gnomAD no frequency). This variant has not been reported in the literature in individuals affected with COL1A1-related conditions. Invitae Evidence Modeling of protein sequence and biophysical properties (such as structural, functional, and spatial information, amino acid conservation, physicochemical variation, residue mobility, and thermodynamic stability) indicates that this missense variant is expected to disrupt COL1A1 protein function with a positive predictive value of 95%. In summary, the available evidence is currently insufficient to determine the role of this variant in disease. Therefore, it has been classified as a Variant of Uncertain Significance.

NM_000088.4(COL1A1):c.2287C>T (p.Arg763Cys)

Gene: COL1A1 (collagen type I alpha 1 chain; minus strand). Cytogenetic location: 17q21.33.
Variant type: single nucleotide variant.
Coding change: c.2287C>T on transcript NM_000088.4 (MANE Select); coding-DNA position 2287, C replaced by T.
Protein change: p.Arg763Cys; replaces arginine 763 with cysteine.
Molecular consequence: missense variant.
Genome position (GRCh38, 1-based): chr17:50,190,873, G>A on the plus strand (C>T on the coding strand, the complement: COL1A1 is on the minus strand). VCF-style: chr17-50190873-G-A. GRCh37 (hg19) VCF-style: chr17-48268234-G-A.
Other names: short protein forms R763C.
Identifiers: ClinVar variation 4741348 (VCV004741348.1).